The following is an entry in ClinVar:

ClinVar aggregate classification (germline): Uncertain significance (1 of 4 stars; one submission).

Allele frequency attached by ClinVar (database versions not stated): TOPMed 0.00001; ESP Exome Variant Server 0.00008.
gnomAD v4.1: 1 of 1,614,120 alleles (0.000062%); highest among the groups gnomAD compares: Non-Finnish European, 0.000085%; no homozygotes.

Submission:

Labcorp Genetics (formerly Invitae), Labcorp
Classification: Uncertain significance. Last evaluated: 2021-12-29. Review status: criteria provided, single submitter. Criteria: Invitae Variant Classification Sherloc (09022015). Collection method: clinical testing. Allele origin: germline.
Comment: This variant has not been reported in the literature in individuals affected with KCNH1-related conditions. In summary, the available evidence is currently insufficient to determine the role of this variant in disease. Therefore, it has been classified as a Variant of Uncertain Significance. Advanced modeling of protein sequence and biophysical properties (such as structural, functional, and spatial information, amino acid conservation, physicochemical variation, residue mobility, and thermodynamic stability) performed at Invitae indicates that this missense variant is not expected to disrupt KCNH1 protein function. This variant is not present in population databases (gnomAD no frequency). This sequence change replaces serine, which is neutral and polar, with leucine, which is neutral and non-polar, at codon 913 of the KCNH1 protein (p.Ser913Leu).

NM_172362.3(KCNH1):c.2738C>T (p.Ser913Leu)

Gene: KCNH1 (potassium voltage-gated channel subfamily H member 1; minus strand). Cytogenetic location: 1q32.2.
Variant type: single nucleotide variant.
Coding change: c.2738C>T on transcript NM_172362.3 (MANE Select); coding-DNA position 2738, C replaced by T.
Protein change: p.Ser913Leu; replaces serine 913 with leucine.
Molecular consequence: missense variant.
Genome position (GRCh38, 1-based): chr1:210,683,513, G>A on the plus strand (C>T on the coding strand, the complement: KCNH1 is on the minus strand). VCF-style: chr1-210683513-G-A. GRCh37 (hg19) VCF-style: chr1-210856855-G-A.
Other names: c.2657C>T, p.Ser886Leu (NM_002238.4); short protein forms S913L, S886L.
Identifiers: ClinVar variation 2065380 (VCV002065380.4), dbSNP rs375000301, ClinGen allele CA37111548.